The following is an entry in ClinVar:

ClinVar aggregate classification (germline): Uncertain significance (1 of 4 stars; one submission).

gnomAD v4.1: 71 of 1,609,438 alleles (0.0044%); highest among the groups gnomAD compares: Non-Finnish European, 0.0058%; no homozygotes.

Submission:

Labcorp Genetics (formerly Invitae), Labcorp
Classification: Uncertain significance. Last evaluated: 2025-03-07. Review status: criteria provided, single submitter. Criteria: Invitae Variant Classification Sherloc (09022015). Collection method: clinical testing. Allele origin: germline.
Comment: This sequence change replaces proline, which is neutral and non-polar, with leucine, which is neutral and non-polar, at codon 11 of the TERF2IP protein (p.Pro11Leu). This variant is present in population databases (rs758701826, gnomAD 0.004%). This variant has not been reported in the literature in individuals affected with TERF2IP-related conditions. An algorithm developed to predict the effect of missense changes on protein structure and function (PolyPhen-2) suggests that this variant is likely to be tolerated. In summary, the available evidence is currently insufficient to determine the role of this variant in disease. Therefore, it has been classified as a Variant of Uncertain Significance.

NM_018975.4(TERF2IP):c.32C>T (p.Pro11Leu)

Gene: TERF2IP (TERF2 interacting protein; plus strand). Cytogenetic location: 16q23.1.
Variant type: single nucleotide variant.
Coding change: c.32C>T on transcript NM_018975.4 (MANE Select); coding-DNA position 32, C replaced by T.
Protein change: p.Pro11Leu; replaces proline 11 with leucine.
Molecular consequence: missense variant. On other transcripts: non-coding transcript variant (1).
Genome position (GRCh38, 1-based): chr16:75,647,914, C>T. VCF-style: chr16-75647914-C-T. GRCh37 (hg19) VCF-style: chr16-75681812-C-T.
Other names: short protein forms P11L.
Identifiers: ClinVar variation 4750767 (VCV004750767.1).